The following is an entry in ClinVar:

NM_015378.4(VPS13D):c.795T>G (p.Ile265Met)

Gene: VPS13D (vacuolar protein sorting 13 homolog D; plus strand). Cytogenetic location: 1p36.22.
Variant type: single nucleotide variant.
Coding change: c.795T>G on transcript NM_015378.4 (MANE Select); coding-DNA position 795, T replaced by G.
Protein change: p.Ile265Met; replaces isoleucine 265 with methionine.
Molecular consequence: missense variant.
Genome position (GRCh38, 1-based): chr1:12,256,458, T>G. VCF-style: chr1-12256458-T-G. GRCh37 (hg19) VCF-style: chr1-12316515-T-G.
Other names: p.Ile265Met; c.795T>G, p.Ile265Met (NM_018156.4); short protein forms I265M.
Identifiers: ClinVar variation 1897802 (VCV001897802.32), dbSNP rs751251921, ClinGen allele CA601321.
Genomic context (GRCh38, chr1:12,256,458, plus strand): 5'-TGCTCTTTTGAAGAGAAACTGCTCCAAGAAGCCCCTGCGGTCTCGGCACAGTCCCCGTAT[T>G]GATTGTGATATTCAGCTGGAGACCATTCCCTTGAAACTCTCTCAGGTATGCCCTTTCTTC-3'
Protein context (NP_056193.2, residues 255-275): KPLRSRHSPR[Ile265Met]DCDIQLETIP

ClinVar aggregate classification (germline): Uncertain significance. Review status: criteria provided, multiple submitters, no conflicts (2 of 4 stars). 4 submissions from 4 submitters: Uncertain significance (4). Last evaluated 2026-01-26.

Conditions:
Inborn genetic diseases. Identifiers: MedGen C0950123, MeSH D030342.

Allele frequency attached by ClinVar (database versions not stated): ExAC 0.00002; TOPMed 0.00003; gnomAD exomes 0.00004; gnomAD 0.00005.
gnomAD v4.1: 68 of 1,613,992 alleles (0.0042%); highest among the groups gnomAD compares: Middle Eastern, 0.016%; no homozygotes.

Submissions (4):

Labcorp Genetics (formerly Invitae), Labcorp
Classification: Uncertain significance. Last evaluated: 2026-01-26. Review status: criteria provided, single submitter. Criteria: Invitae Variant Classification Sherloc (09022015). Collection method: clinical testing. Allele origin: germline.
Comment: This sequence change replaces isoleucine, which is neutral and non-polar, with methionine, which is neutral and non-polar, at codon 265 of the VPS13D protein (p.Ile265Met). This variant is present in population databases (rs751251921, gnomAD 0.006%). This variant has not been reported in the literature in individuals affected with VPS13D-related conditions. ClinVar contains an entry for this variant (Variation ID: 1897802). Invitae Evidence Modeling of protein sequence and biophysical properties (such as structural, functional, and spatial information, amino acid conservation, physicochemical variation, residue mobility, and thermodynamic stability) indicates that this missense variant is not expected to disrupt VPS13D protein function with a negative predictive value of 80%. In summary, the available evidence is currently insufficient to determine the role of this variant in disease. Therefore, it has been classified as a Variant of Uncertain Significance.

Ambry Genetics
Classification: Uncertain significance for Inborn genetic diseases. Last evaluated: 2024-08-27. Review status: criteria provided, single submitter. Criteria: Ambry Variant Classification Scheme 2023. Collection method: clinical testing. Allele origin: germline.

Mayo Clinic Laboratories, Mayo Clinic
Classification: Uncertain significance. Last evaluated: 2024-07-09. Review status: criteria provided, single submitter. Criteria: ACMG Guidelines, 2015. Collection method: clinical testing. Allele origin: germline. Observed: 1 variant allele.
Comment: BP4, PM2

CeGaT Center for Human Genetics Tuebingen
Classification: Uncertain significance. Last evaluated: 2022-11-01. Review status: criteria provided, single submitter. Criteria: CeGaT Center For Human Genetics Tuebingen Variant Classification Criteria Version 2. Collection method: clinical testing. Allele origin: germline. Affected: yes. Observed: 1 variant allele.
Comment: VPS13D: PM2, BP4